The following is an entry in ClinVar:

ClinVar aggregate classification (germline): Likely pathogenic (1 of 4 stars; one submission).

Conditions:
TMEM237-related disorder. Also called: TMEM237-related condition.

Submission:

PreventionGenetics, part of Exact Sciences
Classification: Likely pathogenic for TMEM237-related condition. Last evaluated: 2026-01-30. Review status: criteria provided, single submitter. Criteria: ACMG Guidelines, 2015. Collection method: clinical testing. Allele origin: germline.
Comment: The TMEM237 c.673_675delinsAT variant is predicted to result in a frameshift and premature protein termination (p.Phe225Ilefs*3). To our knowledge, this variant has not been reported in the literature or in a large population database, indicating this variant is rare. Frameshift variants in TMEM237 are expected to be pathogenic. This variant is interpreted as likely pathogenic.

NM_001044385.3(TMEM237):c.673_675delinsAT (p.Phe225fs)

Gene: TMEM237 (transmembrane protein 237; minus strand). Cytogenetic location: 2q33.1.
Variant type: Indel.
Coding change: c.673_675delinsAT on transcript NM_001044385.3 (MANE Select); coding-DNA positions 673 to 675, TTC replaced by AT.
Protein change: p.Phe225fs; shifts the reading frame from phenylalanine 225.
Molecular consequence: frameshift variant.
Genome position (GRCh38, 1-based): chr2:201,629,731-201,629,733, GAA replaced by AT on the plus strand (TTC replaced by AT on the coding strand, the reverse complement: TMEM237 is on the minus strand). VCF-style: chr2-201629731-GAA-AT. GRCh37 (hg19) VCF-style: chr2-202494454-GAA-AT.
Other names: c.649_651delinsAT, p.Phe217fs (NM_152388.4); short protein forms F217fs, F225fs.
Identifiers: ClinVar variation 2631160 (VCV002631160.2), dbSNP rs2469494613, ClinGen allele CA2695197095.
Genomic context (GRCh38, chr2:201,629,731, plus strand): 5'-TTTAATTACAGAACTCAGTTAACATTTATTTTAAGAAAAGTCCAACAAAAGCAGCCACCT[GAA>AT]AGCCCGGTGCACTGTAAGTGCCACATCTCTGGTGGTCCAGGAAGGCTTCACGTCCATTGA-3'